The following is an entry in ClinVar:

ClinVar aggregate classification (germline): Benign. Review status: criteria provided, multiple submitters, no conflicts (2 of 4 stars). 4 submissions from 4 submitters: Benign (4). Last evaluated 2026-01-27.

Allele frequency attached by ClinVar (database versions not stated): 1000 Genomes Project 0.09884; TOPMed 0.13065; ESP Exome Variant Server 0.14855; 1000 Genomes Project 30x 0.09791; gnomAD exomes 0.17777 and 0.14563; gnomAD 0.14194 and 0.14337; ExAC 0.17608.
gnomAD v4.1: 277,138 of 1,597,846 alleles (17%); highest among the groups gnomAD compares: Non-Finnish European, 19%; 26,196 homozygotes.

Submissions (4):

Labcorp Genetics (formerly Invitae), Labcorp
Classification: Benign. Last evaluated: 2026-01-27. Review status: criteria provided, single submitter. Criteria: Invitae Variant Classification Sherloc (09022015). Collection method: clinical testing. Allele origin: germline.

Mayo Clinic Laboratories, Mayo Clinic
Classification: Benign. Last evaluated: 2022-10-27. Review status: criteria provided, single submitter. Criteria: ACMG Guidelines, 2015. Collection method: clinical testing. Allele origin: germline. Observed: 70 variant alleles.

GeneDx
Classification: Benign. Last evaluated: 2018-06-14. Review status: criteria provided, single submitter. Criteria: GeneDx Variant Classification (06012015). Collection method: clinical testing. Allele origin: germline. Affected: yes.
Comment: This variant is considered likely benign or benign based on one or more of the following criteria: it is a conservative change, it occurs at a poorly conserved position in the protein, it is predicted to be benign by multiple in silico algorithms, and/or has population frequency not consistent with disease.

Breakthrough Genomics
Classification: Benign. Review status: criteria provided, single submitter. Criteria: ACMG Guidelines, 2015. Collection method: not provided. Allele origin: germline. Inheritance: Autosomal recessive inheritance. Affected: yes.

NM_001379210.1(SLC25A26):c.609A>G (p.Ala203=)

Gene: SLC25A26 (solute carrier family 25 member 26; plus strand). Cytogenetic location: 3p14.1.
Variant type: single nucleotide variant.
Coding change: c.609A>G on transcript NM_001379210.1 (MANE Select); coding-DNA position 609, A replaced by G.
Protein change: p.Ala203=; no amino-acid change (alanine 203 retained).
Molecular consequence: synonymous variant. On other transcripts: non-coding transcript variant (1).
Genome position (GRCh38, 1-based): chr3:66,369,518, A>G. VCF-style: chr3-66369518-A-G. GRCh37 (hg19) VCF-style: chr3-66419942-A-G.
Other names: p.Ala203=; c.345A>G, p.Ala115= (NM_001164796.1, NM_001350993.1); c.609A>G, p.Ala203= (NM_173471.4).
Identifiers: ClinVar variation 683931 (VCV000683931.11), dbSNP rs1129179, ClinGen allele CA2483799.